The following is an entry in ClinVar:

ClinVar aggregate classification (germline): Uncertain significance (1 of 4 stars; one submission).

Conditions:
Tuberous sclerosis 2 (TSC2). Identifiers: Orphanet 805, MedGen C1860707, MONDO:0013199, OMIM 613254.

Submission:

Labcorp Genetics (formerly Invitae), Labcorp
Classification: Uncertain significance for Tuberous sclerosis 2. Last evaluated: 2021-03-05. Review status: criteria provided, single submitter. Criteria: Invitae Variant Classification Sherloc (09022015). Collection method: clinical testing. Allele origin: germline.
Comment: This variant, c.5032_5034dup, results in the insertion of 1 amino acid(s) to the TSC2 protein (p.Tyr1678dup), but otherwise preserves the integrity of the reading frame. This variant is not present in population databases (ExAC no frequency). This variant has not been reported in the literature in individuals with TSC2-related conditions. Experimental studies and prediction algorithms are not available or were not evaluated, and the functional significance of this variant is currently unknown. In summary, the available evidence is currently insufficient to determine the role of this variant in disease. Therefore, it has been classified as a Variant of Uncertain Significance.

NM_000548.5(TSC2):c.5032_5034dup (p.Tyr1678dup)

Gene: TSC2 (TSC complex subunit 2; plus strand). Cytogenetic location: 16p13.3.
Variant type: Duplication.
Coding change: c.5032_5034dup on transcript NM_000548.5 (MANE Select); coding-DNA positions 5032 to 5034, 3 bases duplicated (TAC; older notation c.5032_5034dupTAC).
Protein change: p.Tyr1678dup; duplicates tyrosine 1678.
Molecular consequence: inframe insertion.
Genome position (GRCh38, 1-based): chr16:2,087,905-2,087,907, TAC duplicated; duplicating any 3 consecutive bases within chr16:2,087,903-2,087,907 gives the same sequence; the c. name uses the placement nearest the transcript's 3' end. VCF-style (leftmost placement, unchanged base first): chr16-2087902-G-GACT. GRCh37 (hg19) VCF-style: chr16-2137903-G-GACT.
Other names: c.4831_4833dup, p.Tyr1611dup (NM_001077183.3); c.4963_4965dup, p.Tyr1655dup (NM_001114382.3); c.4723_4725dup, p.Tyr1575dup (NM_001318827.2); c.4687_4689dup, p.Tyr1563dup (NM_001318829.2); c.4300_4302dup, p.Tyr1434dup (NM_001318831.2); c.4864_4866dup, p.Tyr1622dup (NM_001318832.2); c.4834_4836dup, p.Tyr1612dup (NM_001363528.2); c.4900_4902dup, p.Tyr1634dup (NM_001370404.1); and 1 more.
Identifiers: ClinVar variation 1005611 (VCV001005611.8), dbSNP rs2091052317, ClinGen allele CA2202029238.
Genomic context (GRCh38, chr16:2,087,902, plus strand): 5'-CCCTTTCTCTTGTCCGGGCAGGGCCAGTTCAACTTTGTCCACGTGATCGTCACCCCGCTG[G>GACT]ACTACGAGTGCAACCTGGTGTCCCTGCAGTGCAGGAAAGGTAGGGCCGGGTGGGGCCCTG-3'